The following is an entry in ClinVar:

NM_016938.5(EFEMP2):c.941G>A (p.Arg314His)

Gene: EFEMP2 (EGF-like fibulin extracellular matrix protein 2; minus strand). Cytogenetic location: 11q13.1.
Variant type: single nucleotide variant.
Coding change: c.941G>A on transcript NM_016938.5 (MANE Select); coding-DNA position 941, G replaced by A.
Protein change: p.Arg314His; replaces arginine 314 with histidine.
Molecular consequence: missense variant. On other transcripts: non-coding transcript variant (1).
Genome position (GRCh38, 1-based): chr11:65,868,328, C>T on the plus strand (G>A on the coding strand, the complement: EFEMP2 is on the minus strand). VCF-style: chr11-65868328-C-T. GRCh37 (hg19) VCF-style: chr11-65635799-C-T.
Other names: short protein forms R314H.
Identifiers: ClinVar variation 861848 (VCV000861848.6), dbSNP rs760501413, ClinGen allele CA6110476.

ClinVar aggregate classification (germline): Uncertain significance. Review status: criteria provided, multiple submitters, no conflicts (2 of 4 stars). 2 submissions from 2 submitters: Uncertain significance (2). Last evaluated 2024-09-08.

Conditions:
Cutis laxa, autosomal recessive, type 1B (ARCL1B). Also called: CUTIS LAXA, AUTOSOMAL RECESSIVE, TYPE IB; EFEMP2-Related Cutis Laxa. Identifiers: Orphanet 90349, MedGen C3280798, MONDO:0013754, OMIM 614437. Disease mechanism: loss of function.
Cardiovascular phenotype. Identifiers: MedGen CN230736.

Allele frequency attached by ClinVar (database versions not stated): ExAC 0.00001; gnomAD exomes 0.00001; gnomAD 0.00002; TOPMed 0.00007.
gnomAD v4.1: 15 of 1,613,700 alleles (0.00093%); highest among the groups gnomAD compares: African/African-American, 0.0093%; no homozygotes.

Submissions (2):

Ambry Genetics
Classification: Uncertain significance for Cardiovascular phenotype. Last evaluated: 2024-09-08. Review status: criteria provided, single submitter. Criteria: Ambry Variant Classification Scheme 2023. Collection method: clinical testing. Allele origin: germline.
Comment: The p.R314H variant (also known as c.941G>A), located in coding exon 8 of the EFEMP2 gene, results from a G to A substitution at nucleotide position 941. The arginine at codon 314 is replaced by histidine, an amino acid with highly similar properties. This amino acid position is conserved. In addition, the in silico prediction for this alteration is inconclusive. Based on the available evidence, the clinical significance of this variant remains unclear.

Labcorp Genetics (formerly Invitae), Labcorp
Classification: Uncertain significance for Cutis laxa, autosomal recessive, type 1B. Last evaluated: 2021-10-15. Review status: criteria provided, single submitter. Criteria: Invitae Variant Classification Sherloc (09022015). Collection method: clinical testing. Allele origin: germline.
Comment: This sequence change replaces arginine with histidine at codon 314 of the EFEMP2 protein (p.Arg314His). The arginine residue is highly conserved and there is a small physicochemical difference between arginine and histidine. This variant is present in population databases (rs760501413, ExAC 0.002%). This variant has not been reported in the literature in individuals affected with EFEMP2-related conditions. Algorithms developed to predict the effect of missense changes on protein structure and function (SIFT, PolyPhen-2, Align-GVGD) all suggest that this variant is likely to be disruptive. In summary, the available evidence is currently insufficient to determine the role of this variant in disease. Therefore, it has been classified as a Variant of Uncertain Significance.